The following is an entry in ClinVar:

ClinVar aggregate classification (germline): Uncertain significance (1 of 4 stars; one submission).

Conditions:
Fanconi anemia complementation group J. Also called: BRIP1-Related Fanconi Anemia. Identifiers: Orphanet 84, MedGen C1836860, MONDO:0012187, OMIM 609054.
Familial cancer of breast. Also called: BREAST CANCER, FAMILIAL; Hereditary breast cancer; hereditary breast carcinoma. Identifiers: Orphanet 227535, MedGen C0346153, MONDO:0016419, OMIM 114480. Disease mechanism: loss of function.

Submission:

Labcorp Genetics (formerly Invitae), Labcorp
Classification: Uncertain significance for Familial cancer of breast; Fanconi anemia complementation group J. Last evaluated: 2023-05-11. Review status: criteria provided, single submitter. Criteria: Invitae Variant Classification Sherloc (09022015). Collection method: clinical testing. Allele origin: germline.
Comment: In summary, the available evidence is currently insufficient to determine the role of this variant in disease. Therefore, it has been classified as a Variant of Uncertain Significance. Advanced modeling of protein sequence and biophysical properties (such as structural, functional, and spatial information, amino acid conservation, physicochemical variation, residue mobility, and thermodynamic stability) performed at Invitae indicates that this missense variant is not expected to disrupt BRIP1 protein function. This variant has not been reported in the literature in individuals affected with BRIP1-related conditions. This variant is not present in population databases (gnomAD no frequency). This sequence change replaces lysine, which is basic and polar, with threonine, which is neutral and polar, at codon 510 of the BRIP1 protein (p.Lys510Thr).

NM_032043.3(BRIP1):c.1529A>C (p.Lys510Thr)

Gene: BRIP1 (BRCA1 interacting DNA helicase 1; minus strand). Cytogenetic location: 17q23.2.
Variant type: single nucleotide variant.
Coding change: c.1529A>C on transcript NM_032043.3 (MANE Select); coding-DNA position 1529, A replaced by C.
Protein change: p.Lys510Thr; replaces lysine 510 with threonine.
Molecular consequence: missense variant.
Genome position (GRCh38, 1-based): chr17:61,784,369, T>G on the plus strand (A>C on the coding strand, the complement: BRIP1 is on the minus strand). VCF-style: chr17-61784369-T-G. GRCh37 (hg19) VCF-style: chr17-59861730-T-G.
Other names: short protein forms K510T.
Identifiers: ClinVar variation 2947608 (VCV002947608.3), dbSNP rs2545054571, ClinGen allele CA400481292.